The following is an entry in ClinVar:

NM_000089.4(COL1A2):c.1495G>A (p.Gly499Ser)

Gene: COL1A2 (collagen type I alpha 2 chain; plus strand). Cytogenetic location: 7q21.3.
Variant type: single nucleotide variant.
Coding change: c.1495G>A on transcript NM_000089.4 (MANE Select); coding-DNA position 1495, G replaced by A.
Protein change: p.Gly499Ser; replaces glycine 499 with serine.
Molecular consequence: missense variant.
Genome position (GRCh38, 1-based): chr7:94,412,674, G>A. VCF-style: chr7-94412674-G-A. GRCh37 (hg19) VCF-style: chr7-94041986-G-A.
Other names: short protein forms G499S.
Identifiers: ClinVar variation 4075341 (VCV004075341.2).

ClinVar aggregate classification (germline): Pathogenic. Review status: criteria provided, multiple submitters, no conflicts (2 of 4 stars). 2 submissions from 2 submitters: Pathogenic (2). Last evaluated 2025-07-16.

Conditions:
Osteogenesis imperfecta with normal sclerae, dominant form (OI4). Also called: Common Variable Osteogenesis Imperfecta with Normal Sclerae; OSTEOGENESIS IMPERFECTA, TYPE IV, WITH DENTINOGENESIS IMPERFECTA; Osteogenesis Imperfecta Type IV; OSTEOGENESIS IMPERFECTA WITH NORMAL SCLERAE; Osteogenesis imperfecta type 4. Identifiers: Orphanet 216820, Orphanet 666, MedGen C0268363, MONDO:0008148, OMIM 166220.

Submissions (2):

Clinical Biomedical Laboratory, Shriners Hospital For Children - Canada
Classification: Pathogenic for Osteogenesis imperfecta with normal sclerae, dominant form. Last evaluated: 2025-07-16. Review status: criteria provided, single submitter. Criteria: ACMG Guidelines, 2015. Collection method: clinical testing. Allele origin: germline. Affected: yes.
Comment: This variant is predicted to substitute a glycine residue by a serine residue in the triple helical domain of the collagen type I alpha 2 chain. Glycine substitutions in the triple helical domain of collagen cause disruption in the formation of the triple helix in the collagen type I molecule and are a typical cause of osteogenesis imperfecta. The variant is absent from the Genome Aggregation Database v2.1.1, indicating it is very rare. Prediction tools (REVEL: 1.00) suggest that the change is damaging to protein function.

GeneDx
Classification: Pathogenic. Last evaluated: 2025-07-09. Review status: criteria provided, single submitter. Criteria: GeneDx Variant Classification Process June 2021. Collection method: clinical testing. Allele origin: germline. Affected: yes.
Comment: Occurs in the triple helical domain and replaces a glycine in a canonical Gly-X-Y repeat; missense substitution of a canonical glycine residue is expected to disrupt normal protein folding and function, and this is an established mechanism of disease (PMID: 34007986); Not observed at significant frequency in large population cohorts (gnomAD); In silico analysis supports that this missense variant has a deleterious effect on protein structure/function; This variant is associated with the following publications: (PMID: 35154279, 34007986)